The following is an entry in ClinVar:

ClinVar aggregate classification (germline): Pathogenic/Likely pathogenic. Review status: criteria provided, multiple submitters, no conflicts (2 of 4 stars). 16 submissions from 16 submitters: Pathogenic (12); Likely pathogenic (3). 1 of the submissions does not count toward it. Last evaluated 2026-01-12.

Conditions:
TRAF7-related syndrome.
TRAF7-associated heart defect-digital anomalies-facial dysmorphism-motor and speech delay syndrome. Identifiers: MedGen C5681633, MONDO:0035661.
Inborn genetic diseases. Identifiers: MedGen C0950123, MeSH D030342.
TRAF7-related disorder. Also called: TRAF7-related condition.
Cardiac, facial, and digital anomalies with developmental delay. Identifiers: Orphanet 592570, MedGen C4748484, MONDO:0032572, OMIM 618164.

Submissions (16):

Variantyx, Inc.
Classification: Pathogenic for Cardiac, facial, and digital anomalies with developmental delay. Last evaluated: 2026-01-12. Review status: criteria provided, single submitter. Criteria: Variantyx Assertion Criteria 2022. Collection method: clinical testing. Allele origin: de novo. Inheritance: Autosomal dominant inheritance. Affected: yes.
Comment: This is a nonsynonymous variant in the TRAF7 gene (OMIM: 606692). Pathogenic variants in this gene have been associated with autosomal dominant cardiac, facial, and digital anomalies with developmental delay. Functional studies have shown that this variant alters TRAF7 protein function (PMID: 29961569) (PS3), and multiple computational algorithms predict no functional impact for this variant (REVEL score: 0.237) (BP4). This variant is absent from control populations (PM2). Based on the current evidence, this variant is classified as pathogenic for autosomal dominant cardiac, facial, and digital anomalies with developmental delay.

OLLIN Analises Genomicas, OLLIN
Classification: Likely pathogenic for Cardiac, facial, and digital anomalies with developmental delay. Last evaluated: 2025-12-12. Review status: criteria provided, single submitter. Criteria: ACMG Guidelines 2015 PMID 25741868. Collection method: clinical testing. Allele origin: germline. Affected: yes. Observed: 1 variant allele.
Comment: The missense variant (chr16:2176350G>A), located in exon 20 (of 21), absent in gnomAD v4.1 non-UKB, is reported in ClinVar (VCV000587685.26) and in the scientific literature, also being identified de novo in individuals with developmental delay (PMID: 29961569, 38612512, 38466850, 32376980, 34513876). In silico analysis is inconclusive regarding the impact of this variant; however, functional studies suggest that it affects protein function (PMID: 29961569). According to the currently available evidence, this variant has been classified as likely pathogenic (PS2, PS3_P, PS4_M, PM2_P, BP4).

Blueprint Genetics
Classification: Pathogenic for TRAF7-related disorders. Last evaluated: 2024-07-11. Review status: criteria provided, single submitter. Criteria: ACMG Guidelines, 2015. Collection method: clinical testing. Allele origin: de novo. Affected: yes. Observed: 3 variant alleles.

Baylor Genetics
Classification: Pathogenic for Cardiac, facial, and digital anomalies with developmental delay. Last evaluated: 2024-02-21. Review status: criteria provided, single submitter. Criteria: ACMG Guidelines, 2015. Collection method: clinical testing. Allele origin: unknown.

Daryl Scott Lab, Baylor College of Medicine
Classification: Pathogenic for Cardiac, facial, and digital anomalies with developmental delay. Last evaluated: 2024-01-01. Review status: criteria provided, single submitter. Criteria: ACMG Guidelines, 2015. Collection method: clinical testing. Allele origin: de novo. Affected: yes. Observed: 1 heterozygote.
Comment: PS2, PS3, PS4, PM2, PP3

GeneDx
Classification: Pathogenic. Last evaluated: 2023-06-29. Review status: criteria provided, single submitter. Criteria: GeneDx Variant Classification Process June 2021. Collection method: clinical testing. Allele origin: germline. Affected: yes.
Comment: Not observed at significant frequency in large population cohorts (gnomAD); In silico analysis supports that this missense variant does not alter protein structure/function; This variant is associated with the following publications: (PMID: 32459067, 31036916, 29961569, 25961944, 32376980, 28714951, 31981491, 32399599)

Labcorp Genetics (formerly Invitae), Labcorp
Classification: Pathogenic. Last evaluated: 2022-05-10. Review status: criteria provided, single submitter. Criteria: Invitae Variant Classification Sherloc (09022015). Collection method: clinical testing. Allele origin: germline.
Comment: For these reasons, this variant has been classified as Pathogenic. Experimental studies have shown that this missense change affects TRAF7 function (PMID: 29961569). Algorithms developed to predict the effect of missense changes on protein structure and function are either unavailable or do not agree on the potential impact of this missense change (SIFT: "Tolerated"; PolyPhen-2: "Possibly Damaging"; Align-GVGD: "Class C0"). ClinVar contains an entry for this variant (Variation ID: 587685). This missense change has been observed in individual(s) with TRAF7-related conditions (PMID: 29961569). In at least one individual the variant was observed to be de novo. This variant is not present in population databases (gnomAD no frequency). This sequence change replaces arginine, which is basic and polar, with glutamine, which is neutral and polar, at codon 655 of the TRAF7 protein (p.Arg655Gln).

Illumina Laboratory Services, Illumina
Classification: Pathogenic for TRAF7-related syndrome. Last evaluated: 2022-03-17. Review status: criteria provided, single submitter. Criteria: ICSLVariantClassificationCriteria RUGD 01 April 2020. Collection method: clinical testing. Allele origin: unknown.
Comment: The TRAF7 c.1964G>A (p.Arg655Gln) missense variant results in the substitution of arginine at amino acid position 655 with glutamine. The c.1964G>A variant is a recurrent missense variant that has been reported in a heterozygous state in over 15 affected individuals in three studies. In most cases, the variant was confirmed to be de novo in origin (Tokita et al. 2018; Accogli et al. 2020; Castilla-Vallmanya et al. 2020). This variant is not found in version 2.1.1 or version 3.1.2 of the Genome Aggregation Database. The Arg655 residue is located in the seventh WD40 domain and is highly conserved through evolution. In vitro functional expression assays showed that this variant results in decreased MAPK1/MAPK3 phosphorylation after TNF-alpha stimulation compared to controls (Tokita et al. 2018). Transcriptomic studies of patient fibroblasts also revealed several differentially expressed genes after TNF-alpha treatment compared to controls (Castilla-Vallmanya et al. 2020). Based on the available evidence, the c.1964G>A (p.Arg655Gln) variant is classified as pathogenic for TRAF7-related syndrome.

3billion
Classification: Pathogenic for Cardiac, facial, and digital anomalies with developmental delay. Last evaluated: 2021-10-02. Review status: criteria provided, single submitter. Criteria: ACMG Guidelines, 2015. Collection method: clinical testing. Allele origin: germline. Affected: yes. Observed: 1 heterozygote.
Comment: Same nucleotide change resulting in same amino acid change has been previously reported as de novoo and observed in at least four similarly affected unrelated individuals (ClinVar ID: VCV000587685.9, PMID: 29961569, 32399599, 32376980, PS2 and PS4). It is not observed in the gnomAD v2.1.1 dataset (PM2). The variant was observed as assumed (i.e. paternity and maternity not confirmed) de novoo (3billion dataset, PM6). Therefore, this variant is classified as pathogenic according to the recommendation of ACMG/AMP guideline.

Mendelics
Classification: Likely pathogenic for Cardiac, facial, and digital anomalies with developmental delay. Last evaluated: 2019-05-28. Review status: criteria provided, single submitter. Criteria: Mendelics Assertion Criteria 2017. Collection method: clinical testing. Allele origin: unknown.

Ambry Genetics
Classification: Pathogenic for Inborn genetic diseases. Last evaluated: 2018-07-03. Review status: criteria provided, single submitter. Criteria: Ambry exome assertion method (8-5-2015). Collection method: clinical testing. Allele origin: germline. Affected: yes. Observed: 1 variant allele.

Genomic Medicine Lab, University of California San Francisco
Classification: Likely pathogenic for Cardiac, facial, and digital anomalies with developmental delay. Last evaluated: 2018-05-10. Review status: criteria provided, single submitter. Criteria: ACMG Guidelines, 2015. Collection method: clinical testing. Allele origin: de novo. Inheritance: Autosomal dominant inheritance. Affected: yes. Study: CSER.

Undiagnosed Diseases Network, NIH
Classification: Pathogenic for Cardiac, facial, and digital anomalies with developmental delay. Last evaluated: 2016-04-14. Review status: criteria provided, single submitter. Criteria: ACMG Guidelines, 2015. Collection method: clinical testing. Allele origin: de novo. Inheritance: Autosomal dominant inheritance. Affected: yes. Observed: 2 heterozygotes. Study: Undiagnosed Diseases Network (NIH), UDN.

Centre de Biologie Pathologie Génétique, Centre Hospitalier Universitaire de Lille
Classification: Pathogenic for TRAF7-associated heart defect-digital anomalies-facial dysmorphism-motor and speech delay syndrome. Review status: criteria provided, single submitter. Criteria: ACMG Guidelines, 2015. Collection method: clinical testing. Allele origin: unknown. Affected: yes.

Clinical Genetics Service, Universitary Hospital 12 de Octubre
Classification: Pathogenic for Cardiac, facial, and digital anomalies with developmental delay. Review status: criteria provided, single submitter. Criteria: ACMG Guidelines, 2015. Collection method: clinical testing. Allele origin: de novo. Affected: yes.

OMIM
Classification: Pathogenic for CARDIAC, FACIAL, AND DIGITAL ANOMALIES WITH DEVELOPMENTAL DELAY. Last evaluated: 2018-10-31. Review status: no assertion criteria provided. Collection method: literature only. Allele origin: germline. Not counted in ClinVar's aggregate classification.

Literature cited by the submitters: PubMed 29961569 (cited by 8 submitters); PubMed 32399599 (cited by Variantyx, Inc. and 3billion); PubMed 32459067 (cited by Variantyx, Inc. and Illumina Laboratory Services, Illumina); PubMed 38612512 (cited by Variantyx, Inc. and OLLIN Analises Genomicas, OLLIN); PubMed 38466850 (cited by OLLIN Analises Genomicas, OLLIN); PubMed 32376980 (cited by 3 submitters); PubMed 34513876 (cited by OLLIN Analises Genomicas, OLLIN); PubMed 25961944 (cited by OMIM).

NM_032271.3(TRAF7):c.1964G>A (p.Arg655Gln)

Gene: TRAF7 (TNF receptor associated factor 7; plus strand). Cytogenetic location: 16p13.3.
Variant type: single nucleotide variant.
Coding change: c.1964G>A on transcript NM_032271.3 (MANE Select); coding-DNA position 1964, G replaced by A.
Protein change: p.Arg655Gln; replaces arginine 655 with glutamine.
Molecular consequence: missense variant.
Genome position (GRCh38, 1-based): chr16:2,176,350, G>A. VCF-style: chr16-2176350-G-A. GRCh37 (hg19) VCF-style: chr16-2226351-G-A.
Other names: p.Arg655Gln; short protein forms R655Q.
Identifiers: ClinVar variation 587685 (VCV000587685.30), dbSNP rs1331463984, ClinGen allele CA394336081.